The following is an entry in ClinVar:

NM_005045.4(RELN):c.7660T>C (p.Phe2554Leu)

Gene: RELN (reelin; minus strand). Cytogenetic location: 7q22.1.
Variant type: single nucleotide variant.
Coding change: c.7660T>C on transcript NM_005045.4 (MANE Select); coding-DNA position 7660, T replaced by C.
Protein change: p.Phe2554Leu; replaces phenylalanine 2554 with leucine.
Molecular consequence: missense variant.
Genome position (GRCh38, 1-based): chr7:103,522,030, A>G on the plus strand (T>C on the coding strand, the complement: RELN is on the minus strand). VCF-style: chr7-103522030-A-G. GRCh37 (hg19) VCF-style: chr7-103162477-A-G.
Other names: c.7660T>C, p.Phe2554Leu (NM_173054.3); short protein forms F2554L.
Identifiers: ClinVar variation 1440992 (VCV001440992.9), dbSNP rs2117091992, ClinGen allele CA368766534.

ClinVar aggregate classification (germline): Uncertain significance (1 of 4 stars; one submission).

Conditions:
Norman-Roberts syndrome (LIS2). Also called: Lissencephaly 2 (Norman-Roberts type). Identifiers: Orphanet 89844, MedGen C0796089, MONDO:0009760, OMIM 257320.
Familial temporal lobe epilepsy 7. Identifiers: Orphanet 101046, MedGen C4225327, MONDO:0014639, OMIM 616436.

Allele frequency attached by ClinVar (database versions not stated): gnomAD exomes below 0.00001.
gnomAD v4.1: 3 of 1,614,032 alleles (0.00019%); highest among the groups gnomAD compares: Non-Finnish European, 0.000085%; no homozygotes.

Submission:

Labcorp Genetics (formerly Invitae), Labcorp
Classification: Uncertain significance for Familial temporal lobe epilepsy 7; Norman-Roberts syndrome. Last evaluated: 2022-06-04. Review status: criteria provided, single submitter. Criteria: Invitae Variant Classification Sherloc (09022015). Collection method: clinical testing. Allele origin: germline.
Comment: In summary, the available evidence is currently insufficient to determine the role of this variant in disease. Therefore, it has been classified as a Variant of Uncertain Significance. Advanced modeling of protein sequence and biophysical properties (such as structural, functional, and spatial information, amino acid conservation, physicochemical variation, residue mobility, and thermodynamic stability) performed at Invitae indicates that this missense variant is expected to disrupt RELN protein function. ClinVar contains an entry for this variant (Variation ID: 1440992). This variant has not been reported in the literature in individuals affected with RELN-related conditions. This variant is not present in population databases (gnomAD no frequency). This sequence change replaces phenylalanine, which is neutral and non-polar, with leucine, which is neutral and non-polar, at codon 2554 of the RELN protein (p.Phe2554Leu).